The following is an entry in ClinVar:

NM_003051.4(SLC16A1):c.1229G>A (p.Gly410Asp)

Gene: SLC16A1 (solute carrier family 16 member 1; minus strand). Cytogenetic location: 1p13.2.
Variant type: single nucleotide variant.
Coding change: c.1229G>A on transcript NM_003051.4 (MANE Select); coding-DNA position 1229, G replaced by A.
Protein change: p.Gly410Asp; replaces glycine 410 with aspartic acid.
Molecular consequence: missense variant.
Genome position (GRCh38, 1-based): chr1:112,914,165, C>T on the plus strand (G>A on the coding strand, the complement: SLC16A1 is on the minus strand). VCF-style: chr1-112914165-C-T. GRCh37 (hg19) VCF-style: chr1-113456787-C-T.
Other names: c.1229G>A, p.Gly410Asp (NM_001166496.2); short protein forms G410D.
Identifiers: ClinVar variation 2637017 (VCV002637017.1), dbSNP rs1648422700, ClinGen allele CA341827235.

ClinVar aggregate classification (germline): Uncertain significance (1 of 4 stars; one submission).

Conditions:
SLC16A1-related disorder. Also called: SLC16A1-related condition; SLC16A1-related disorders.

Allele frequency attached by ClinVar (database versions not stated): gnomAD exomes below 0.00001; TOPMed below 0.00001; gnomAD 0.00001.
gnomAD v4.1: 2 of 1,613,950 alleles (0.00012%); highest among the groups gnomAD compares: Non-Finnish European, 0.00017%; no homozygotes.

Submission:

PreventionGenetics, part of Exact Sciences
Classification: Uncertain significance for SLC16A1-related condition. Last evaluated: 2022-10-21. Review status: criteria provided, single submitter. Criteria: ACMG Guidelines, 2015. Collection method: clinical testing. Allele origin: germline.
Comment: The SLC16A1 c.1229G>A variant is predicted to result in the amino acid substitution p.Gly410Asp. To our knowledge, this variant has not been reported in the literature or in a large population database, indicating this variant is rare. At this time, the clinical significance of this variant is uncertain due to the absence of conclusive functional and genetic evidence.